The following is an entry in ClinVar:

ClinVar aggregate classification (germline): Benign (1 of 4 stars; one submission).

Conditions:
Ellis-van Creveld syndrome (EVC). Also called: EVC-Related Ellis-van Creveld Syndrome; EVC2-Related Ellis-van Creveld Syndrome; MESOECTODERMAL DYSPLASIA; Chondroectodermal dysplasia. Identifiers: Orphanet 289, MedGen C0013903, MONDO:0009162, OMIM 225500.

Allele frequency attached by ClinVar (database versions not stated): gnomAD 0.00004 and 0.00131; TOPMed 0.00022; gnomAD exomes 0.00576; 1000 Genomes Project 30x 0.00703; 1000 Genomes Project 0.00759.
gnomAD v4.1: 242 of 160,722 alleles (0.15%); highest among the groups gnomAD compares: South Asian, 4%; 4 homozygotes.

Submission:

Illumina Laboratory Services, Illumina
Classification: Benign for Ellis-van Creveld syndrome. Last evaluated: 2018-01-13. Review status: criteria provided, single submitter. Criteria: ICSL Variant Classification Criteria 13 December 2019. Collection method: clinical testing. Allele origin: germline.
Comment: This variant was observed in the ICSL laboratory as part of a predisposition screen in an ostensibly healthy population. It had not been previously curated by ICSL or reported in the Human Gene Mutation Database (HGMD: prior to June 1st, 2018), and was therefore a candidate for classification through an automated scoring system. Utilizing variant allele frequency, disease prevalence and penetrance estimates, and inheritance mode, an automated score was calculated to assess if this variant is too frequent to cause the disease. Based on the score and internal cut-off values, a variant classified as benign is not then subjected to further curation. The score for this variant resulted in a classification of benign for this disease.

NM_153717.3(EVC):c.*1648T>C

Gene: EVC (EvC ciliary complex subunit 1; plus strand). Cytogenetic location: 4p16.2.
Variant type: single nucleotide variant.
Coding change: c.*1648T>C on transcript NM_153717.3 (MANE Select); 1648 bases downstream of the stop codon, T replaced by C.
Molecular consequence: 3 prime UTR variant.
Genome position (GRCh38, 1-based): chr4:5,812,685, T>C. VCF-style: chr4-5812685-T-C. GRCh37 (hg19) VCF-style: chr4-5814412-T-C.
Other names: c.*1648T>C (NM_001306090.2).
Identifiers: ClinVar variation 349255 (VCV000349255.5), dbSNP rs371788560, ClinGen allele CA10618974.